The following is an entry in ClinVar:

ClinVar aggregate classification (germline): Uncertain significance. Review status: criteria provided, multiple submitters, no conflicts (2 of 4 stars). 4 submissions from 4 submitters: Uncertain significance (4). Last evaluated 2025-05-15.

Conditions:
Wilson disease (WND). Also called: Wilson's disease. Identifiers: Orphanet 905, MedGen C0019202, MONDO:0010200, OMIM 277900. Disease mechanism: loss of function.

Allele frequency attached by ClinVar (database versions not stated): TOPMed below 0.00001; ExAC 0.00002; gnomAD exomes below 0.00001.
gnomAD v4.1: 9 of 1,614,162 alleles (0.00056%); highest among the groups gnomAD compares: East Asian, 0.0022%; no homozygotes.

Submissions (4):

3billion
Classification: Uncertain significance for Wilson disease. Last evaluated: 2025-05-15. Review status: criteria provided, single submitter. Criteria: ACMG Guidelines, 2015. Collection method: clinical testing. Allele origin: germline. Affected: yes.
Comment: The variant is observed at an extremely low frequency in the gnomAD v4.1.0 dataset (total allele frequency: <0.001%). Predicted Consequence/Location: Missense variant. The majority of the known disease-causing variants of this gene are variants expected to result in premature termination of the protein. In silico tool predictions suggest damaging effect of the variant on gene or gene product [3Cnet: 0.99 (> 0.75, sensitivity 0.96 and precision 0.92)]. The variant has been reported as of uncertain significance (ClinVar ID: VCV002184377). Different missense changes at the same codon have been reported as of uncertain significance (ClinVar ID: VCV001797099). Therefore, this variant is classified as VUS according to the recommendation of ACMG/AMP guideline.

Color Diagnostics, LLC DBA Color Health
Classification: Uncertain significance for Wilson disease. Last evaluated: 2024-03-06. Review status: criteria provided, single submitter. Criteria: ACMG Guidelines, 2015. Collection method: clinical testing. Allele origin: germline.
Comment: This missense variant replaces lysine with glutamic acid at codon 959 of the ATP7B protein. Computational prediction is inconclusive regarding the impact of this variant on protein structure and function. To our knowledge, functional studies have not been reported for this variant. This variant has not been reported in individuals affected with Wilson disease in the literature. This variant has been identified in 3/249408 chromosomes in the general population by the Genome Aggregation Database (gnomAD). The available evidence is insufficient to determine the role of this variant in disease conclusively. Therefore, this variant is classified as a Variant of Uncertain Significance.

All of Us Research Program, National Institutes of Health
Classification: Uncertain significance for Wilson disease. Last evaluated: 2023-05-16. Review status: criteria provided, single submitter. Criteria: ACMG Guidelines, 2015. Collection method: clinical testing. Allele origin: germline. Inheritance: Autosomal recessive inheritance. Observed: 2 variant alleles, 2 heterozygotes.
Comment: This missense variant replaces lysine with glutamic acid at codon 959 of the ATP7B protein. Computational prediction is inconclusive regarding the impact of this variant on protein structure and function (internally defined REVEL score threshold 0.5 < inconclusive < 0.7, PMID: 27666373). To our knowledge, functional studies have not been reported for this variant. This variant has not been reported in individuals affected with Wilson disease in the literature. This variant has been identified in 3/249408 chromosomes in the general population by the Genome Aggregation Database (gnomAD). The available evidence is insufficient to determine the role of this variant in disease conclusively. Therefore, this variant is classified as a Variant of Uncertain Significance.

This study involves interpretation of variants in research participants for the purpose of population health screening. Participant phenotype was not available at the time of variant classification. Additional details can be found in publication PMID: 35346344, PMCID: PMC8962531

Labcorp Genetics (formerly Invitae), Labcorp
Classification: Uncertain significance for Wilson disease. Last evaluated: 2022-07-11. Review status: criteria provided, single submitter. Criteria: Invitae Variant Classification Sherloc (09022015). Collection method: clinical testing. Allele origin: germline.
Comment: This sequence change replaces lysine, which is basic and polar, with glutamic acid, which is acidic and polar, at codon 959 of the ATP7B protein (p.Lys959Glu). This variant is present in population databases (rs368180043, gnomAD 0.006%). This variant has not been reported in the literature in individuals affected with ATP7B-related conditions. Advanced modeling of protein sequence and biophysical properties (such as structural, functional, and spatial information, amino acid conservation, physicochemical variation, residue mobility, and thermodynamic stability) performed at Invitae indicates that this missense variant is not expected to disrupt ATP7B protein function. In summary, the available evidence is currently insufficient to determine the role of this variant in disease. Therefore, it has been classified as a Variant of Uncertain Significance.

NM_000053.4(ATP7B):c.2875A>G (p.Lys959Glu)

Gene: ATP7B (ATPase copper transporting beta; minus strand). Cytogenetic location: 13q14.3.
Variant type: single nucleotide variant.
Coding change: c.2875A>G on transcript NM_000053.4 (MANE Select); coding-DNA position 2875, A replaced by G.
Protein change: p.Lys959Glu; replaces lysine 959 with glutamic acid.
Molecular consequence: missense variant.
Genome position (GRCh38, 1-based): chr13:51,946,469, T>C on the plus strand (A>G on the coding strand, the complement: ATP7B is on the minus strand). VCF-style: chr13-51946469-T-C. GRCh37 (hg19) VCF-style: chr13-52520605-T-C.
Other names: c.2254A>G, p.Lys752Glu (NM_001005918.3); c.2542A>G, p.Lys848Glu (NM_001243182.2); c.2641A>G, p.Lys881Glu (NM_001330578.2, NM_001406527.1, NM_001406528.1 and 1 more transcripts); c.2623A>G, p.Lys875Glu (NM_001330579.2, NM_001406531.1, NM_001406532.1); c.2875A>G, p.Lys959Glu (NM_001406511.1, NM_001406512.1, NM_001406513.1 and 2 more transcripts); c.2842A>G, p.Lys948Glu (NM_001406514.1); c.2635A>G, p.Lys879Glu (NM_001406530.1); c.2587A>G, p.Lys863Glu (NM_001406534.1); and 12 more; short protein forms K743E, K752E, K765E, K797E, K848E, K875E, K911E, K914E.
Identifiers: ClinVar variation 2184377 (VCV002184377.4), dbSNP rs368180043, ClinGen allele CA6988874.
Genomic context (GRCh38, chr13:51,946,469, plus strand): 5'-GCACCGTGATGGACGTCTGGAAAGCAAACCGGATGATCACCTCTGTCTGGGAGATGTGCT[T>C]GTTGGGGTTCTGAAAACAGGACAGAGTCAGAGGCAGGTTGAGAGTTCAATAAGGAAGCTC-3'
Protein context (NP_000044.2, residues 949-969): VVQRYFPNPN[Lys959Glu]HISQTEVIIR